The following is an entry in ClinVar:

ClinVar aggregate classification (germline): Likely pathogenic (1 of 4 stars; one submission).

Conditions:
Increased nuchal translucency. Identifiers: MedGen C4023676, HP:0010880.

Allele frequency attached by ClinVar (database versions not stated): gnomAD exomes below 0.00001.

Submission:

Institute of Human Genetics, University of Leipzig Medical Center
Classification: Likely pathogenic for Increased nuchal translucency. Last evaluated: 2021-01-09. Review status: criteria provided, single submitter. Criteria: ACMG Guidelines, 2015. Collection method: curation. Allele origin: de novo. Inheritance: Autosomal dominant inheritance. Affected: yes.
Comment: This variant was reported as 3 78711245 CT C in an individual (PP0585) with Large NT>4.0 (PMID: 30712880 (lord2019)). Inheritance was reported as dominant (heterozygous) (de novo). The variant was reviewed according to current ACMG recommendations and classified as Likely Pathogenic (criteria: PVS1_VeryStrong, PS2_Moderate, PM2_Supporting) at the variant level; the gene-disease association is currently not established in curated databases.

Literature cited by the submitters: PubMed 30712880.

NM_002941.4(ROBO1):c.1985del (p.Gln662fs)

Gene: ROBO1 (roundabout guidance receptor 1; minus strand). Cytogenetic location: 3p12.3.
Variant type: Deletion.
Coding change: c.1985del on transcript NM_002941.4 (MANE Select); coding-DNA position 1985, one base deleted (A; older notation c.1985delA).
Protein change: p.Gln662fs; shifts the reading frame from glutamine 662.
Molecular consequence: frameshift variant.
Genome position (GRCh38, 1-based): chr3:78,662,096, T deleted on the plus strand (A on the coding strand, the reverse complement: ROBO1 is on the minus strand). VCF-style (leftmost placement, unchanged base first): chr3-78662095-CT-C. GRCh37 (hg19) VCF-style: chr3-78711245-CT-C.
Other names: c.1877del, p.Gln626fs (NM_001145845.2, NM_133631.4); short protein forms Q626fs, Q662fs.
Identifiers: ClinVar variation 995982 (VCV000995982.1), dbSNP rs1707450601, ClinGen allele CA1139658189.